The following is an entry in ClinVar:

ClinVar aggregate classification (germline): Uncertain significance. Review status: criteria provided, multiple submitters, no conflicts (2 of 4 stars). 2 submissions from 2 submitters: Uncertain significance (2). Last evaluated 2025-11-05.

Conditions:
Hereditary cancer-predisposing syndrome. Also called: Hereditary neoplastic syndrome; Tumor predisposition; Hereditary Cancer Syndrome; Neoplastic Syndromes, Hereditary. Identifiers: Orphanet 140162, MedGen C0027672, MeSH D009386, MONDO:0015356.

Submissions (2):

Quest Diagnostics Nichols Institute San Juan Capistrano
Classification: Uncertain significance. Last evaluated: 2025-11-05. Review status: criteria provided, single submitter. Criteria: Quest Diagnostics criteria. Collection method: clinical testing. Allele origin: unknown.
Comment: The RAD50 c.1815_1816delinsAA (p.Gln606Lys) variant has not been reported in individuals with RAD50-related conditions in the published literature. This variant has not been reported in large, multi-ethnic general populations (Genome Aggregation Database). Analysis of this variant using bioinformatics tools for the prediction of the effect of amino acid changes on protein structure and function yielded conflicting predictions that this variant is deleterious or benign. Based on the available information, we are unable to determine the clinical significance of this variant.

Labcorp Genetics (formerly Invitae), Labcorp
Classification: Uncertain significance for Hereditary cancer-predisposing syndrome. Last evaluated: 2022-10-17. Review status: criteria provided, single submitter. Criteria: Invitae Variant Classification Sherloc (09022015). Collection method: clinical testing. Allele origin: germline.
Comment: Experimental studies and prediction algorithms are not available or were not evaluated, and the functional significance of this variant is currently unknown. This sequence change replaces glutamine, which is neutral and polar, with lysine, which is basic and polar, at codon 606 of the RAD50 protein (p.Gln606Lys). Information on the frequency of this variant in the gnomAD database is not available, as this variant may be reported differently in the database. This variant has not been reported in the literature in individuals affected with RAD50-related conditions. ClinVar contains an entry for this variant (Variation ID: 220806). In summary, the available evidence is currently insufficient to determine the role of this variant in disease. Therefore, it has been classified as a Variant of Uncertain Significance.

NM_005732.4(RAD50):c.1815_1816delinsAA (p.Gln606Lys)

Gene: RAD50 (RAD50 double strand break repair protein; plus strand). Cytogenetic location: 5q31.1.
Variant type: Indel.
Coding change: c.1815_1816delinsAA on transcript NM_005732.4 (MANE Select); coding-DNA positions 1815 to 1816, GC replaced by AA.
Protein change: p.Gln606Lys; replaces glutamine 606 with lysine.
Molecular consequence: missense variant.
Genome position (GRCh38, 1-based): chr5:132,594,890-132,594,891, GC replaced by AA. VCF-style: chr5-132594890-GC-AA. GRCh37 (hg19) VCF-style: chr5-131930582-GC-AA.
Other names: c.1815_1816delGCinsAA (NM_005732.3); c.1815_1816delinsAA (NM_005732.3); short protein forms Q606K.
Identifiers: ClinVar variation 220806 (VCV000220806.10), dbSNP rs864622660, ClinGen allele CA349009.